The following is an entry in ClinVar:

ClinVar aggregate classification (germline): Uncertain significance. Review status: criteria provided, multiple submitters, no conflicts (2 of 4 stars). 2 submissions from 2 submitters: Uncertain significance (2). Last evaluated 2026-05-29.

Conditions:
MAGEL2-related disorder. Also called: MAGEL2-related condition.

Allele frequency attached by ClinVar (database versions not stated): gnomAD exomes below 0.00001; TOPMed 0.00001.
gnomAD v4.1: 1 of 1,338,982 alleles (0.000075%); highest among the groups gnomAD compares: Non-Finnish European, 0.000095%; no homozygotes.

Submissions (2):

PreventionGenetics, part of Exact Sciences
Classification: Uncertain significance for MAGEL2-related condition. Last evaluated: 2026-05-29. Review status: criteria provided, single submitter. Criteria: ACMG Guidelines, 2015. Collection method: clinical testing. Allele origin: germline.
Comment: The MAGEL2 c.1585G>T variant is predicted to result in the amino acid substitution p.Ala529Ser. To our knowledge, this variant has not been reported in the literature or in a large population database (gnomAD), indicating this variant is rare. At this time, the clinical significance of this variant is uncertain due to the absence of conclusive functional and genetic evidence.

Labcorp Genetics (formerly Invitae), Labcorp
Classification: Uncertain significance. Last evaluated: 2023-06-16. Review status: criteria provided, single submitter. Criteria: Invitae Variant Classification Sherloc (09022015). Collection method: clinical testing. Allele origin: germline.
Comment: This variant has not been reported in the literature in individuals affected with MAGEL2-related conditions. In summary, the available evidence is currently insufficient to determine the role of this variant in disease. Therefore, it has been classified as a Variant of Uncertain Significance. Advanced modeling of protein sequence and biophysical properties (such as structural, functional, and spatial information, amino acid conservation, physicochemical variation, residue mobility, and thermodynamic stability) performed at Invitae indicates that this missense variant is not expected to disrupt MAGEL2 protein function. This variant is not present in population databases (gnomAD no frequency). This sequence change replaces alanine, which is neutral and non-polar, with serine, which is neutral and polar, at codon 529 of the MAGEL2 protein (p.Ala529Ser).

NM_019066.5(MAGEL2):c.1585G>T (p.Ala529Ser)

Gene: MAGEL2 (MAGE family member L2; minus strand). Cytogenetic location: 15q11.2.
Variant type: single nucleotide variant.
Coding change: c.1585G>T on transcript NM_019066.5 (MANE Select); coding-DNA position 1585, G replaced by T.
Protein change: p.Ala529Ser; replaces alanine 529 with serine.
Molecular consequence: missense variant.
Genome position (GRCh38, 1-based): chr15:23,646,158, C>A on the plus strand (G>T on the coding strand, the complement: MAGEL2 is on the minus strand). VCF-style: chr15-23646158-C-A. GRCh37 (hg19) VCF-style: chr15-23891305-C-A.
Other names: c.1585G>T (NM_019066.4); short protein forms A529S.
Identifiers: ClinVar variation 2972967 (VCV002972967.4), dbSNP rs1890397906, ClinGen allele CA391333739.